The following is an entry in ClinVar:

ClinVar aggregate classification (germline): Uncertain significance (1 of 4 stars; one submission).

Allele frequency attached by ClinVar (database versions not stated): TOPMed below 0.00001; gnomAD 0.00001.
gnomAD v4.1: 2 of 693,216 alleles (0.00029%); highest among the groups gnomAD compares: Non-Finnish European, 0.00053%; no homozygotes.

Submission:

Labcorp Genetics (formerly Invitae), Labcorp
Classification: Uncertain significance. Last evaluated: 2024-12-09. Review status: criteria provided, single submitter. Criteria: Invitae Variant Classification Sherloc (09022015). Collection method: clinical testing. Allele origin: germline.
Comment: This sequence change creates a premature translational stop signal (p.Tyr399*) in the GABRA2 gene. While this is not anticipated to result in nonsense mediated decay, it is expected to disrupt the last 113 amino acid(s) of the GABRA2 protein. This variant is not present in population databases (gnomAD no frequency). This variant has not been reported in the literature in individuals affected with GABRA2-related conditions. ClinVar contains an entry for this variant (Variation ID: 2806112). In summary, the available evidence is currently insufficient to determine the role of this variant in disease. Therefore, it has been classified as a Variant of Uncertain Significance.

NM_000807.4(GABRA2):c.1060-5633C>A

Gene: GABRA2 (gamma-aminobutyric acid type A receptor subunit alpha2; minus strand). Cytogenetic location: 4p12.
Variant type: single nucleotide variant.
Coding change: c.1060-5633C>A on transcript NM_000807.4 (MANE Select); 5633 bases into the intron before coding-DNA position 1060, C replaced by A.
Molecular consequence: intron variant. On other transcripts: nonsense (4).
Genome position (GRCh38, 1-based): chr4:46,256,237, G>T on the plus strand (C>A on the coding strand, the complement: GABRA2 is on the minus strand). VCF-style: chr4-46256237-G-T. GRCh37 (hg19) VCF-style: chr4-46258254-G-T.
Other names: c.1060-5633C>A (NM_001377146.1, NM_001377148.1, NM_001377149.1 and 4 more transcripts); c.895-5633C>A (NM_001377152.1, NM_001377153.1, NM_001377154.1); c.1032C>A, p.Tyr344Ter (NM_001286827.3); c.1197C>A, p.Tyr399Ter (NM_001330690.2, NM_001377144.1, NM_001377145.1); short protein forms Y344*, Y399*.
Identifiers: ClinVar variation 2806112 (VCV002806112.3), dbSNP rs1322098575, ClinGen allele CA356803290.